The following is an entry in ClinVar:

ClinVar aggregate classification (germline): Likely benign. Review status: criteria provided, single submitter (1 of 4 stars). 2 submissions from 2 submitters: Likely benign (1). 1 of the submissions does not count toward it. Last evaluated 2025-12-09.

Conditions:
IGHMBP2-related disorder. Also called: IGHMBP2-related condition; IGHMBP2-related disorders.
Autosomal recessive distal spinal muscular atrophy 1. Also called: HMN VI; NEURONOPATHY, SEVERE INFANTILE AXONAL, WITH RESPIRATORY FAILURE; SEVERE INFANTILE AXONAL NEUROPATHY WITH RESPIRATORY FAILURE; SPINAL MUSCULAR ATROPHY, DIAPHRAGMATIC; Spinal muscular atrophy with respiratory distress 1; NEURONOPATHY, DISTAL HEREDITARY MOTOR, HARDING TYPE VI. Identifiers: Orphanet 98920, MedGen C1858517, MONDO:0011436, OMIM 604320.
Charcot-Marie-Tooth disease axonal type 2S. Also called: CHARCOT-MARIE-TOOTH NEUROPATHY, TYPE 2S; CHARCOT-MARIE-TOOTH DISEASE, AXONAL, AUTOSOMAL RECESSIVE, TYPE 2S. Identifiers: Orphanet 443073, MedGen C4015349, MONDO:0014511, OMIM 616155.

Allele frequency attached by ClinVar (database versions not stated): gnomAD exomes below 0.00001 and 0.00002; gnomAD 0.00002; TOPMed 0.00002.
gnomAD v4.1: 34 of 1,612,844 alleles (0.0021%); highest among the groups gnomAD compares: Non-Finnish European, 0.0027%; no homozygotes.

Submissions (2):

Labcorp Genetics (formerly Invitae), Labcorp
Classification: Likely benign for Autosomal recessive distal spinal muscular atrophy 1; Charcot-Marie-Tooth disease axonal type 2S. Last evaluated: 2025-12-09. Review status: criteria provided, single submitter. Criteria: Invitae Variant Classification Sherloc (09022015). Collection method: clinical testing. Allele origin: germline.

PreventionGenetics, part of Exact Sciences
Classification: Likely benign for IGHMBP2-related condition. Last evaluated: 2023-05-04. Review status: no assertion criteria provided. Collection method: clinical testing. Allele origin: germline. Not counted in ClinVar's aggregate classification.
Comment: This variant is classified as likely benign based on ACMG/AMP sequence variant interpretation guidelines (Richards et al. 2015 PMID: 25741868, with internal and published modifications).

NM_002180.3(IGHMBP2):c.2925G>A (p.Lys975=)

Gene: IGHMBP2 (immunoglobulin mu DNA binding protein 2; plus strand). Cytogenetic location: 11q13.3.
Variant type: single nucleotide variant.
Coding change: c.2925G>A on transcript NM_002180.3 (MANE Select); coding-DNA position 2925, G replaced by A.
Protein change: p.Lys975=; no amino-acid change (lysine 975 retained).
Molecular consequence: synonymous variant.
Genome position (GRCh38, 1-based): chr11:68,939,674, G>A. VCF-style: chr11-68939674-G-A. GRCh37 (hg19) VCF-style: chr11-68707142-G-A.
Other names: c.2925G>A (NM_002180.2).
Identifiers: ClinVar variation 1125548 (VCV001125548.11), dbSNP rs890113569, ClinGen allele CA223416090.